The following is an entry in ClinVar:

ClinVar aggregate classification (germline): Uncertain significance (1 of 4 stars; one submission).

Submission:

GeneDx
Classification: Uncertain significance. Last evaluated: 2024-03-11. Review status: criteria provided, single submitter. Criteria: GeneDx Variant Classification Process June 2021. Collection method: clinical testing. Allele origin: germline. Affected: yes.
Comment: Not observed at significant frequency in large population cohorts (gnomAD); In silico analysis supports that this missense variant has a deleterious effect on protein structure/function; Has not been previously published as pathogenic or benign to our knowledge

NM_001367873.1(SOX6):c.2245A>G (p.Met749Val)

Gene: SOX6 (SRY-box transcription factor 6; minus strand). Cytogenetic location: 11p15.2.
Variant type: single nucleotide variant.
Coding change: c.2245A>G on transcript NM_001367873.1 (MANE Select); coding-DNA position 2245, A replaced by G.
Protein change: p.Met749Val; replaces methionine 749 with valine.
Molecular consequence: missense variant.
Genome position (GRCh38, 1-based): chr11:15,973,051, T>C on the plus strand (A>G on the coding strand, the complement: SOX6 is on the minus strand). VCF-style: chr11-15973051-T-C. GRCh37 (hg19) VCF-style: chr11-15994597-T-C.
Other names: c.2164A>G, p.Met722Val (NM_001145811.2, NM_017508.3); c.2245A>G, p.Met749Val (NM_001145819.2); c.2122A>G, p.Met708Val (NM_001367872.1); c.2185A>G, p.Met729Val (NM_033326.3); short protein forms M708V, M722V, M729V, M749V.
Identifiers: ClinVar variation 3370588 (VCV003370588.1).